The following is an entry in ClinVar:

GRCh38/hg38 2q13(chr2:110104900-110201550)x3

Genes: MALL (mal, T cell differentiation protein like; minus strand), NPHP1 (nephrocystin 1; minus strand), LOC126806305 (BRD4-independent group 4 enhancer GRCh37_chr2:110863055-110864254; plus strand), LOC126806306 (P300/CBP strongly-dependent group 1 enhancer GRCh37_chr2:110906815-110908014; plus strand). Cytogenetic location: 2q13.
Variant type: copy number gain.
Change: copy number 3 (three copies instead of two) of chr2:110,104,900-110,201,550 (96.7 kb, GRCh38 coordinates, 1-based), cytogenetic band 2q13.
Identifiers: ClinVar variation 34228 (VCV000034228.3).

ClinVar aggregate classification (germline): Benign. Review status: no assertion criteria provided (0 of 4 stars). 2 submissions from 1 submitter: Benign (1). 1 of the submissions does not count toward it. Last evaluated 2010-02-28.

Submissions (2):

ISCA site 4
Classification: Benign. Last evaluated: 2010-02-28. Review status: no assertion criteria provided. Collection method: clinical testing. Allele origin: unknown. Affected: yes. Observed: 1 variant allele.

ISCA site 4
Classification: Benign. Last evaluated: 2011-08-12. Review status: flagged submission. Criteria: Kaminsky et al. (Genet Med. 2011). Collection method: clinical testing. Allele origin: unknown. Affected: yes. Observed: 2 variant alleles. Not counted in ClinVar's aggregate classification.
Comment: Copy number variation identified through the course of routine clinical cytogenomic testing in postnatal populations. Clinical assertions have been curated as described in Kaminsky et al. 2011.
ClinVar note: Reason: This record appears to be redundant with a more recent record from the same submitter.
ClinVar note: Notes: SCV000077770 appears to be redundant with SCV000175179.